The following is an entry in ClinVar:

NM_013314.4(BLNK):c.637A>C (p.Asn213His)

Gene: BLNK (B cell linker; minus strand). Cytogenetic location: 10q24.1.
Variant type: single nucleotide variant.
Coding change: c.637A>C on transcript NM_013314.4 (MANE Select); coding-DNA position 637, A replaced by C.
Protein change: p.Asn213His; replaces asparagine 213 with histidine.
Molecular consequence: missense variant. On other transcripts: non-coding transcript variant (1), intron variant (3).
Genome position (GRCh38, 1-based): chr10:96,215,360, T>G on the plus strand (A>C on the coding strand, the complement: BLNK is on the minus strand). VCF-style: chr10-96215360-T-G. GRCh37 (hg19) VCF-style: chr10-97975116-T-G.
Other names: c.637A>C, p.Asn213His (NM_001258440.2); c.350-28A>C (NM_001258442.2); c.607+1293A>C (NM_001258441.2, NM_001114094.2); short protein forms N213H.
Identifiers: ClinVar variation 3706857 (VCV003706857.2).

ClinVar aggregate classification (germline): Uncertain significance (1 of 4 stars; one submission).

Conditions:
Agammaglobulinemia 4, autosomal recessive (AGM4). Also called: AGAMMAGLOBULINEMIA, AUTOSOMAL RECESSIVE, DUE TO BLNK DEFECT; B cell linker protein deficiency. Identifiers: MedGen C3150752, MONDO:0013289, OMIM 613502.

gnomAD v4.1: 1 of 1,613,864 alleles (0.000062%); highest among the groups gnomAD compares: Admixed American, 0.0017%; no homozygotes.

Submission:

Labcorp Genetics (formerly Invitae), Labcorp
Classification: Uncertain significance for Agammaglobulinemia 4, autosomal recessive. Last evaluated: 2024-12-31. Review status: criteria provided, single submitter. Criteria: Invitae Variant Classification Sherloc (09022015). Collection method: clinical testing. Allele origin: germline.
Comment: This sequence change replaces asparagine, which is neutral and polar, with histidine, which is basic and polar, at codon 213 of the BLNK protein (p.Asn213His). This variant is not present in population databases (gnomAD no frequency). This variant has not been reported in the literature in individuals affected with BLNK-related conditions. Invitae Evidence Modeling of protein sequence and biophysical properties (such as structural, functional, and spatial information, amino acid conservation, physicochemical variation, residue mobility, and thermodynamic stability) indicates that this missense variant is not expected to disrupt BLNK protein function with a negative predictive value of 80%. In summary, the available evidence is currently insufficient to determine the role of this variant in disease. Therefore, it has been classified as a Variant of Uncertain Significance.